The following is an entry in ClinVar:

NM_001394062.1(MACF1):c.701A>C (p.Asp234Ala)

Gene: MACF1 (microtubule actin crosslinking factor 1; plus strand). Cytogenetic location: 1p34.3.
Variant type: single nucleotide variant.
Coding change: c.701A>C on transcript NM_001394062.1 (MANE Select); coding-DNA position 701, A replaced by C.
Protein change: p.Asp234Ala; replaces aspartic acid 234 with alanine.
Molecular consequence: missense variant.
Genome position (GRCh38, 1-based): chr1:39,283,194, A>C. VCF-style: chr1-39283194-A-C. GRCh37 (hg19) VCF-style: chr1-39748866-A-C.
Other names: c.716A>C, p.Asp239Ala (NM_012090.5); short protein forms D234A, D239A.
Identifiers: ClinVar variation 3661988 (VCV003661988.2).

ClinVar aggregate classification (germline): Uncertain significance (1 of 4 stars; one submission).

Submission:

Labcorp Genetics (formerly Invitae), Labcorp
Classification: Uncertain significance. Last evaluated: 2024-08-12. Review status: criteria provided, single submitter. Criteria: Invitae Variant Classification Sherloc (09022015). Collection method: clinical testing. Allele origin: germline.
Comment: This sequence change replaces aspartic acid, which is acidic and polar, with alanine, which is neutral and non-polar, at codon 239 of the MACF1 protein (p.Asp239Ala). This variant is not present in population databases (gnomAD no frequency). This variant has not been reported in the literature in individuals affected with MACF1-related conditions. An algorithm developed to predict the effect of missense changes on protein structure and function (PolyPhen-2) suggests that this variant is likely to be disruptive. In summary, the available evidence is currently insufficient to determine the role of this variant in disease. Therefore, it has been classified as a Variant of Uncertain Significance.